The following is an entry in ClinVar:

ClinVar aggregate classification (germline): Conflicting classifications of pathogenicity. Review status: criteria provided, conflicting classifications (1 of 4 stars). 3 submissions from 3 submitters: Uncertain significance (2); Likely benign (1). Last evaluated 2024-12-18.

Conditions:
TBX4-related disorder. Also called: TBX4-related disorders; TBX4-related condition.

Allele frequency attached by ClinVar (database versions not stated): ExAC 0.00003; gnomAD 0.00007; ESP Exome Variant Server 0.00008; TOPMed 0.00010.
gnomAD v4.1: 211 of 1,608,436 alleles (0.013%); highest among the groups gnomAD compares: Middle Eastern, 0.017%; no homozygotes.

Submissions (3):

PreventionGenetics, part of Exact Sciences
Classification: Uncertain significance for TBX4-related condition. Last evaluated: 2024-12-18. Review status: criteria provided, single submitter. Criteria: ACMG Guidelines, 2015. Collection method: clinical testing. Allele origin: germline.
Comment: The TBX4 c.1486G>A variant is predicted to result in the amino acid substitution p.Gly496Ser. To our knowledge, this variant has not been reported in the literature. This variant is reported in 0.030% of alleles in individuals of Ashkenazi Jewish descent in gnomAD. Although we suspect that this variant may be benign, at this time, the clinical significance of this variant is uncertain due to the absence of conclusive functional and genetic evidence.

Blueprint Genetics
Classification: Likely benign. Last evaluated: 2024-10-23. Review status: criteria provided, single submitter. Criteria: ACMG Guidelines, 2015. Collection method: clinical testing. Allele origin: germline.

Labcorp Genetics (formerly Invitae), Labcorp
Classification: Uncertain significance. Last evaluated: 2022-09-07. Review status: criteria provided, single submitter. Criteria: Invitae Variant Classification Sherloc (09022015). Collection method: clinical testing. Allele origin: germline.
Comment: In summary, the available evidence is currently insufficient to determine the role of this variant in disease. Therefore, it has been classified as a Variant of Uncertain Significance. Advanced modeling of protein sequence and biophysical properties (such as structural, functional, and spatial information, amino acid conservation, physicochemical variation, residue mobility, and thermodynamic stability) performed at Invitae indicates that this missense variant is not expected to disrupt TBX4 protein function. This variant has not been reported in the literature in individuals affected with TBX4-related conditions. This variant is present in population databases (rs140527546, gnomAD 0.03%). This sequence change replaces glycine, which is neutral and non-polar, with serine, which is neutral and polar, at codon 496 of the TBX4 protein (p.Gly496Ser).

NM_001321120.2(TBX4):c.1489G>A (p.Gly497Ser)

Gene: TBX4 (T-box transcription factor 4; plus strand). Cytogenetic location: 17q23.2.
Variant type: single nucleotide variant.
Coding change: c.1489G>A on transcript NM_001321120.2 (MANE Select); coding-DNA position 1489, G replaced by A.
Protein change: p.Gly497Ser; replaces glycine 497 with serine.
Molecular consequence: missense variant.
Genome position (GRCh38, 1-based): chr17:61,483,364, G>A. VCF-style: chr17-61483364-G-A. GRCh37 (hg19) VCF-style: chr17-59560725-G-A.
Other names: c.1486G>A, p.Gly496Ser (NM_018488.3); short protein forms G497S, G496S.
Identifiers: ClinVar variation 2168471 (VCV002168471.6), dbSNP rs140527546, ClinGen allele CA8690109.
Genomic context (GRCh38, chr17:61,483,364, plus strand): 5'-CAGCTCTCCCAGTCTCAGGTCCGAGAGCGGGGGCCCAGCGCCTCATTCCCAAGAGAGCGC[G>A]GCCTCCCCCAAGGGTGTGAGAGGAAGCCACCCTCGCCACATCTAAATGCTGCCAATGAGT-3'
Protein context (NP_001308049.1, residues 487-507): GPSASFPRER[Gly497Ser]LPQGCERKPP